The following is an entry in ClinVar:

NM_080680.3(COL11A2):c.20_21del (p.Cys7fs)

Gene: COL11A2 (collagen type XI alpha 2 chain; minus strand). Cytogenetic location: 6p21.32.
Variant type: Deletion.
Coding change: c.20_21del on transcript NM_080680.3 (MANE Select); coding-DNA positions 20 to 21, 2 bases deleted (GC; older notation c.20_21delGC).
Protein change: p.Cys7fs; shifts the reading frame from cysteine 7.
Molecular consequence: frameshift variant. On other transcripts: intron variant (1).
Genome position (GRCh38, 1-based): chr6:33,192,220-33,192,221, GC deleted on the plus strand (GC on the coding strand, the reverse complement: COL11A2 is on the minus strand). VCF-style (leftmost placement, unchanged base first): chr6-33192219-GGC-G. GRCh37 (hg19) VCF-style: chr6-33159996-GGC-G.
Other names: c.20_21del, p.Cys7fs (NM_001163771.2, NM_001424108.1, NM_080679.3 and 1 more transcripts); c.-765+804_-765+805del (NM_001424111.1); short protein forms C7fs.
Identifiers: ClinVar variation 2763938 (VCV002763938.3), dbSNP rs2535614756, ClinGen allele CA2697553268.

ClinVar aggregate classification (germline): Pathogenic (1 of 4 stars; one submission).

Submission:

Labcorp Genetics (formerly Invitae), Labcorp
Classification: Pathogenic. Last evaluated: 2024-08-02. Review status: criteria provided, single submitter. Criteria: Invitae Variant Classification Sherloc (09022015). Collection method: clinical testing. Allele origin: germline.
Comment: This sequence change creates a premature translational stop signal (p.Cys7Serfs*38) in the COL11A2 gene. It is expected to result in an absent or disrupted protein product. Loss-of-function variants in COL11A2 are known to be pathogenic (PMID: 10677296, 21204229). This variant is not present in population databases (gnomAD no frequency). This variant has not been reported in the literature in individuals affected with COL11A2-related conditions. For these reasons, this variant has been classified as Pathogenic.

Literature cited by the submitters: PubMed 10677296; PubMed 21204229.